The following is an entry in ClinVar:

NM_006231.4(POLE):c.5524C>T (p.His1842Tyr)

Gene: POLE (DNA polymerase epsilon, catalytic subunit; minus strand). Cytogenetic location: 12q24.33.
Variant type: single nucleotide variant.
Coding change: c.5524C>T on transcript NM_006231.4 (MANE Select); coding-DNA position 5524, C replaced by T.
Protein change: p.His1842Tyr; replaces histidine 1842 with tyrosine.
Molecular consequence: missense variant.
Genome position (GRCh38, 1-based): chr12:132,639,153, G>A on the plus strand (C>T on the coding strand, the complement: POLE is on the minus strand). VCF-style: chr12-132639153-G-A. GRCh37 (hg19) VCF-style: chr12-133215739-G-A.
Other names: short protein forms H1842Y.
Identifiers: ClinVar variation 3308373 (VCV003308373.1).

ClinVar aggregate classification (germline): Uncertain significance (1 of 4 stars; one submission).

Conditions:
Hereditary cancer-predisposing syndrome. Also called: Neoplastic Syndromes, Hereditary; Tumor predisposition; Hereditary neoplastic syndrome; Hereditary Cancer Syndrome. Identifiers: Orphanet 140162, MedGen C0027672, MeSH D009386, MONDO:0015356.

gnomAD v4.1: 2 of 1,614,184 alleles (0.00012%); highest among the groups gnomAD compares: South Asian, 0.0022%; no homozygotes.

Submission:

Ambry Genetics
Classification: Uncertain significance for Hereditary cancer-predisposing syndrome. Last evaluated: 2024-04-10. Review status: criteria provided, single submitter. Criteria: Ambry Variant Classification Scheme 2023. Collection method: clinical testing. Allele origin: germline.
Comment: The p.H1842Y variant (also known as c.5524C>T), located in coding exon 40 of the POLE gene, results from a C to T substitution at nucleotide position 5524. The histidine at codon 1842 is replaced by tyrosine, an amino acid with similar properties. This amino acid position is conserved. In addition, this alteration is predicted to be tolerated by in silico analysis. Based on the available evidence, the clinical significance of this variant remains unclear.